The following is an entry in ClinVar:

NM_000092.5(COL4A4):c.1276G>A (p.Gly426Arg)

Gene: COL4A4 (collagen type IV alpha 4 chain; minus strand). Cytogenetic location: 2q36.3.
Variant type: single nucleotide variant.
Coding change: c.1276G>A on transcript NM_000092.5 (MANE Select); coding-DNA position 1276, G replaced by A.
Protein change: p.Gly426Arg; replaces glycine 426 with arginine.
Molecular consequence: missense variant.
Genome position (GRCh38, 1-based): chr2:227,094,218, C>T on the plus strand (G>A on the coding strand, the complement: COL4A4 is on the minus strand). VCF-style: chr2-227094218-C-T. GRCh37 (hg19) VCF-style: chr2-227958934-C-T.
Other names: c.1276G>A (NM_000092.4); short protein forms G426R.
Identifiers: ClinVar variation 1441076 (VCV001441076.10), dbSNP rs552375817, ClinGen allele CA2145222.

ClinVar aggregate classification (germline): Uncertain significance. Review status: criteria provided, multiple submitters, no conflicts (2 of 4 stars). 4 submissions from 4 submitters: Uncertain significance (4). Last evaluated 2025-11-24.

Conditions:
Inborn genetic diseases. Identifiers: MedGen C0950123, MeSH D030342.

Allele frequency attached by ClinVar (database versions not stated): ExAC 0.00002; gnomAD 0.00001; gnomAD exomes 0.00002; 1000 Genomes Project 30x 0.00016; 1000 Genomes Project 0.00020.
gnomAD v4.1: 6 of 1,613,770 alleles (0.00037%); highest among the groups gnomAD compares: South Asian, 0.0066%; no homozygotes.

Submissions (4):

GeneDx
Classification: Uncertain significance. Last evaluated: 2025-11-24. Review status: criteria provided, single submitter. Criteria: GeneDx Variant Classification Process June 2021. Collection method: clinical testing. Allele origin: germline.
Comment: In silico analysis supports that this missense variant has a deleterious effect on protein structure/function; Affects a glycine residue in a Gly-X-Y motif in the triple helical region of the COL4A4 gene; Has not been previously published as pathogenic or benign to our knowledge; This variant is associated with the following publications: (PMID: 34400539, 35177655)

Labcorp Genetics (formerly Invitae), Labcorp
Classification: Uncertain significance. Last evaluated: 2025-04-12. Review status: criteria provided, single submitter. Criteria: Invitae Variant Classification Sherloc (09022015). Collection method: clinical testing. Allele origin: germline.
Comment: This sequence change replaces glycine, which is neutral and non-polar, with arginine, which is basic and polar, at codon 426 of the COL4A4 protein (p.Gly426Arg). This variant is present in population databases (rs552375817, gnomAD 0.01%). This variant has not been reported in the literature in individuals affected with COL4A4-related conditions. ClinVar contains an entry for this variant (Variation ID: 1441076). Invitae Evidence Modeling of protein sequence and biophysical properties (such as structural, functional, and spatial information, amino acid conservation, physicochemical variation, residue mobility, and thermodynamic stability) indicates that this missense variant is not expected to disrupt COL4A4 protein function with a negative predictive value of 95%. In summary, the available evidence is currently insufficient to determine the role of this variant in disease. Therefore, it has been classified as a Variant of Uncertain Significance.

Women's Health and Genetics/Laboratory Corporation of America, LabCorp
Classification: Uncertain significance. Last evaluated: 2025-04-07. Review status: criteria provided, single submitter. Criteria: LabCorp Variant Classification Summary - May 2015. Collection method: clinical testing. Allele origin: germline.
Comment: Variant summary: COL4A4 c.1276G>A (p.Gly426Arg) results in a non-conservative amino acid change located in the Collagen triple helix repeat (IPR008160) of the encoded protein sequence. Five of five in-silico tools predict a damaging effect of the variant on protein function. The variant allele was found at a frequency of 1.6e-05 in 248782 control chromosomes (gnomAD). The available data on variant occurrences in the general population are insufficient to allow any conclusion about variant significance. c.1276G>A has been reported in the literature without strong evidence for or against pathogenicity (Gibson_2022, Gibson_2021). These report(s) do not provide unequivocal conclusions about association of the variant with Alport syndrome. To our knowledge, no experimental evidence demonstrating an impact on protein function has been reported. The following publications have been ascertained in the context of this evaluation (PMID: 34400539, 35177655). ClinVar contains an entry for this variant (Variation ID: 1441076). Based on the evidence outlined above, the variant was classified as uncertain significance.

Ambry Genetics
Classification: Uncertain significance for Inborn genetic diseases. Last evaluated: 2024-04-17. Review status: criteria provided, single submitter. Criteria: Ambry Variant Classification Scheme 2023. Collection method: clinical testing. Allele origin: germline.

Literature cited by the submitters: PubMed 34400539 (cited by Women's Health and Genetics/Laboratory Corporation of America, LabCorp); PubMed 35177655 (cited by Women's Health and Genetics/Laboratory Corporation of America, LabCorp).